The following is an entry in ClinVar:

ClinVar aggregate classification (germline): Likely benign. Review status: criteria provided, multiple submitters, no conflicts (2 of 4 stars). 2 submissions from 2 submitters: Likely benign (2). Last evaluated 2025-02-18.

Conditions:
Early-infantile DEE. Also called: Early infantile epileptic encephalopathy with suppression bursts; Ohtahara syndrome; Early infantile epileptic encephalopathy. Identifiers: Orphanet 1934, MedGen C0393706, MONDO:0800491.

Allele frequency attached by ClinVar (database versions not stated): TOPMed 0.00001; gnomAD exomes 0.00004; ExAC 0.00006.
gnomAD v4.1: 58 of 1,613,900 alleles (0.0036%); highest among the groups gnomAD compares: East Asian, 0.036%; no homozygotes.

Submissions (2):

Labcorp Genetics (formerly Invitae), Labcorp
Classification: Likely benign for Early-infantile DEE. Last evaluated: 2025-02-18. Review status: criteria provided, single submitter. Criteria: Invitae Variant Classification Sherloc (09022015). Collection method: clinical testing. Allele origin: germline.

GeneDx
Classification: Likely benign. Last evaluated: 2017-11-16. Review status: criteria provided, single submitter. Criteria: GeneDx Variant Classification (06012015). Collection method: clinical testing. Allele origin: germline. Affected: yes.
Comment: This variant is considered likely benign or benign based on one or more of the following criteria: it is a conservative change, it occurs at a poorly conserved position in the protein, it is predicted to be benign by multiple in silico algorithms, and/or has population frequency not consistent with disease.

NM_001130438.3(SPTAN1):c.7401C>T (p.Tyr2467=)

Gene: SPTAN1 (spectrin alpha, non-erythrocytic 1; plus strand). Cytogenetic location: 9q34.11.
Variant type: single nucleotide variant.
Coding change: c.7401C>T on transcript NM_001130438.3 (MANE Select); coding-DNA position 7401, C replaced by T.
Protein change: p.Tyr2467=; no amino-acid change (tyrosine 2467 retained).
Molecular consequence: synonymous variant.
Genome position (GRCh38, 1-based): chr9:128,633,301, C>T. VCF-style: chr9-128633301-C-T. GRCh37 (hg19) VCF-style: chr9-131395580-C-T.
Other names: c.7326C>T, p.Tyr2442= (NM_001195532.2); c.7464C>T, p.Tyr2488= (NM_001363759.2); c.7341C>T, p.Tyr2447= (NM_001363765.2); c.7386C>T, p.Tyr2462= (NM_003127.4).
Identifiers: ClinVar variation 516703 (VCV000516703.11), dbSNP rs766927132, ClinGen allele CA5266104.